The following is an entry in ClinVar:

NM_006015.6(ARID1A):c.1028C>A (p.Ala343Glu)

Genes: ARID1A (AT-rich interaction domain 1A; plus strand), LOC129929837 (ATAC-STARR-seq lymphoblastoid silent region 489; plus strand). Cytogenetic location: 1p36.11.
Variant type: single nucleotide variant.
Coding change: c.1028C>A on transcript NM_006015.6 (MANE Select); coding-DNA position 1028, C replaced by A.
Protein change: p.Ala343Glu; replaces alanine 343 with glutamic acid.
Molecular consequence: missense variant.
Genome position (GRCh38, 1-based): chr1:26,697,431, C>A. VCF-style: chr1-26697431-C-A. GRCh37 (hg19) VCF-style: chr1-27023922-C-A.
Other names: c.1028C>A, p.Ala343Glu (NM_139135.4); short protein forms A343E.
Identifiers: ClinVar variation 3032967 (VCV003032967.2), dbSNP rs1254848718, ClinGen allele CA339267034.

ClinVar aggregate classification (germline): Uncertain significance (0 of 4 stars; one submission).

Conditions:
ARID1A-related disorder. Also called: ARID1A-related condition.

gnomAD v4.1: 1 of 1,350,920 alleles (0.000074%); highest among the groups gnomAD compares: Non-Finnish European, 0.000094%; no homozygotes.

Submission:

PreventionGenetics, part of Exact Sciences
Classification: Uncertain significance for ARID1A-related condition. Last evaluated: 2023-12-14. Review status: no assertion criteria provided. Collection method: clinical testing. Allele origin: germline.
Comment: The ARID1A c.1028C>A variant is predicted to result in the amino acid substitution p.Ala343Glu. To our knowledge, this variant has not been reported in the literature or in a large population database, indicating this variant is rare. At this time, the clinical significance of this variant is uncertain due to the absence of conclusive functional and genetic evidence.